The following is an entry in ClinVar:

NM_016729.3(FOLR1):c.265_267delinsAGA (p.Cys89Arg)

Genes: FOLR1-AS1 (FOLR1 antisense RNA 1; minus strand), FOLR1 (folate receptor alpha; plus strand). Cytogenetic location: 11q13.4.
Variant type: Indel.
Coding change: c.265_267delinsAGA on transcript NM_016729.3 (MANE Select); coding-DNA positions 265 to 267, TGT replaced by AGA.
Protein change: p.Cys89Arg; replaces cysteine 89 with arginine.
Molecular consequence: missense variant.
Genome position (GRCh38, 1-based): chr11:72,195,367-72,195,369, TGT replaced by AGA. VCF-style: chr11-72195367-TGT-AGA. GRCh37 (hg19) VCF-style: chr11-71906411-TGT-AGA.
Other names: c.265_267delinsAGA, p.Cys89Arg (NM_000802.3, NM_016724.3, NM_016725.3); c.265_267delTGTinsAGA, p.Cys89Arg (NM_016731.2); short protein forms C89R.
Identifiers: ClinVar variation 2094116 (VCV002094116.4), dbSNP rs2539131425, ClinGen allele CA2580084845.
Genomic context (GRCh38, chr11:72,195,367, plus strand): 5'-AACACCAGCCAGGAAGCCCATAAGGATGTTTCCTACCTATATAGATTCAACTGGAACCAC[TGT>AGA]GGAGAGATGGCACCTGCCTGCAAACGGCATTTCATCCAGGACACCTGCCTCTACGAGTGC-3'
Protein context (NP_057941.1, residues 79-99): SYLYRFNWNH[Cys89Arg]GEMAPACKRH

ClinVar aggregate classification (germline): Uncertain significance (1 of 4 stars; one submission).

Conditions:
Cerebral folate transport deficiency. Also called: FOLATE RECEPTOR DEFICIENCY; NEURODEGENERATION DUE TO CEREBRAL FOLATE TRANSPORT DEFICIENCY; Cerebral folate deficiency syndrome; Neurodegenerative syndrome due to cerebral folate transport deficiency; FOLR1-Related Cerebral Folate Transport Deficiency. Identifiers: Orphanet 217382, MedGen C2751584, MONDO:0013110, OMIM 613068. Disease mechanism: loss of function.

Submission:

Labcorp Genetics (formerly Invitae), Labcorp
Classification: Uncertain significance for Cerebral folate transport deficiency. Last evaluated: 2022-09-01. Review status: criteria provided, single submitter. Criteria: Invitae Variant Classification Sherloc (09022015). Collection method: clinical testing. Allele origin: germline.
Comment: In summary, the available evidence is currently insufficient to determine the role of this variant in disease. Therefore, it has been classified as a Variant of Uncertain Significance. Algorithms developed to predict the effect of missense changes on protein structure and function are either unavailable or do not agree on the potential impact of this missense change (SIFT: "Deleterious"; PolyPhen-2: "Probably Damaging"; Align-GVGD: "Class C0"). This variant has not been reported in the literature in individuals affected with FOLR1-related conditions. This variant is not present in population databases (gnomAD no frequency). This sequence change replaces cysteine, which is neutral and slightly polar, with arginine, which is basic and polar, at codon 89 of the FOLR1 protein (p.Cys89Arg).